The following is an entry in ClinVar:

ClinVar aggregate classification (germline): Uncertain significance (1 of 4 stars; one submission).

Conditions:
Hypertrophic cardiomyopathy 26. Also called: Cardiomyopathy, familial hypertrophic, 26. Identifiers: Orphanet 75249, MedGen C4310749, MONDO:0014883, OMIM 617047.
Myofibrillar myopathy 5. Also called: Filaminopathy (type); FILAMINOPATHY, AUTOSOMAL DOMINANT. Identifiers: Orphanet 171445, MedGen C1836050, MONDO:0012289, OMIM 609524.
Distal myopathy with posterior leg and anterior hand involvement. Also called: WILLIAMS DISTAL MYOPATHY. Identifiers: Orphanet 63273, MedGen C3279722, MONDO:0013550, OMIM 614065.

Submission:

Labcorp Genetics (formerly Invitae), Labcorp
Classification: Uncertain significance for Distal myopathy with posterior leg and anterior hand involvement; Myofibrillar myopathy 5; Hypertrophic cardiomyopathy 26. Last evaluated: 2024-07-30. Review status: criteria provided, single submitter. Criteria: Invitae Variant Classification Sherloc (09022015). Collection method: clinical testing. Allele origin: germline.
Comment: This sequence change replaces glycine, which is neutral and non-polar, with serine, which is neutral and polar, at codon 2313 of the FLNC protein (p.Gly2313Ser). This variant is not present in population databases (gnomAD no frequency). This variant has not been reported in the literature in individuals affected with FLNC-related conditions. An algorithm developed to predict the effect of missense changes on protein structure and function (PolyPhen-2) suggests that this variant is likely to be disruptive. In summary, the available evidence is currently insufficient to determine the role of this variant in disease. Therefore, it has been classified as a Variant of Uncertain Significance.

NM_001458.5(FLNC):c.6937G>A (p.Gly2313Ser)

Genes: FLNC-AS1 (FLNC antisense RNA 1; minus strand), FLNC (filamin C; plus strand). Cytogenetic location: 7q32.1.
Variant type: single nucleotide variant.
Coding change: c.6937G>A on transcript NM_001458.5 (MANE Select); coding-DNA position 6937, G replaced by A.
Protein change: p.Gly2313Ser; replaces glycine 2313 with serine.
Molecular consequence: missense variant.
Genome position (GRCh38, 1-based): chr7:128,854,622, G>A. VCF-style: chr7-128854622-G-A. GRCh37 (hg19) VCF-style: chr7-128494676-G-A.
Other names: c.6838G>A, p.Gly2280Ser (NM_001127487.2); short protein forms G2313S, G2280S.
Identifiers: ClinVar variation 2953605 (VCV002953605.3), dbSNP rs2536665354, ClinGen allele CA369214250.
Genomic context (GRCh38, chr7:128,854,622, plus strand): 5'-CGTGGCCAGCACGTGCCCGGCAGCCCCTTTCAGTTCACTGTGGGGCCGCTGGGTGAAGGT[G>A]GTGCCCACAAGGTGCGGGCCGGAGGCACAGGGCTGGAGCGAGGTGTGGCCGGCGTGCCAG-3'
Protein context (NP_001449.3, residues 2303-2323): QFTVGPLGEG[Gly2313Ser]AHKVRAGGTG